The following is an entry in ClinVar:

ClinVar aggregate classification (germline): Uncertain significance. Review status: criteria provided, multiple submitters, no conflicts (2 of 4 stars). 3 submissions from 3 submitters: Uncertain significance (2). 1 of the submissions does not count toward it. Last evaluated 2024-05-14.

Conditions:
PHOX2B-related disorder. Also called: PHOX2B-related condition.
Haddad syndrome (OHD). Also called: Ondine-Hirschsprung disease. Identifiers: Orphanet 99803, MedGen C1859049, MONDO:0020493.

Submissions (3):

GeneDx
Classification: Uncertain significance. Last evaluated: 2024-05-14. Review status: criteria provided, single submitter. Criteria: GeneDx Variant Classification Process June 2021. Collection method: clinical testing. Allele origin: germline. Affected: yes.
Comment: In-frame deletion of 7 amino acids in a repetitive region with no known function; Has not been previously published as pathogenic or benign to our knowledge

Labcorp Genetics (formerly Invitae), Labcorp
Classification: Uncertain significance for Haddad syndrome. Last evaluated: 2018-07-01. Review status: criteria provided, single submitter. Criteria: Invitae Variant Classification Sherloc (09022015). Collection method: clinical testing. Allele origin: germline.
Comment: In summary, the available evidence is currently insufficient to determine the role of this variant in disease. Therefore, it has been classified as a Variant of Uncertain Significance. Experimental studies and prediction algorithms are not available for this variant, and the functional significance of the deleted amino acids is currently unknown. This variant has not been reported in the literature in individuals with PHOX2B-related disease. While this variant is present in population databases (rs772448418), the frequency information is unreliable, as metrics indicate poor data quality at this position in the ExAC database. This variant, c.729_749del, results in the deletion of 7 amino acids of the PHOX2B protein (p.Ala254_Ala260del), but otherwise preserves the integrity of the reading frame.

PreventionGenetics, part of Exact Sciences
Classification: Likely benign for PHOX2B-related condition. Last evaluated: 2024-01-05. Review status: no assertion criteria provided. Collection method: clinical testing. Allele origin: germline. Not counted in ClinVar's aggregate classification.
Comment: This variant is classified as likely benign based on ACMG/AMP sequence variant interpretation guidelines (Richards et al. 2015 PMID: 25741868, with internal and published modifications).

NM_003924.4(PHOX2B):c.729_749del (p.Ala254_Ala260del)

Genes: PHOX2B (paired like homeobox 2B; minus strand), LOC110011216 (paired like homeobox 2b polyalanine repeat instability region; plus strand). Cytogenetic location: 4p13.
Variant type: Deletion.
Coding change: c.729_749del on transcript NM_003924.4 (MANE Select); coding-DNA positions 729 to 749, 21 bases deleted (AGCGGCGGCGGCCGCGGCAGC).
Protein change: p.Ala254_Ala260del.
Molecular consequence: inframe deletion.
Genome position (GRCh38, 1-based): chr4:41,746,003-41,746,023, GCTGCCGCGGCCGCCGCCGCT deleted on the plus strand (AGCGGCGGCGGCCGCGGCAGC on the coding strand, the reverse complement: PHOX2B is on the minus strand); deleting any 21 consecutive bases within chr4:41,746,003-41,746,028 gives the same sequence; the c. name uses the placement nearest the transcript's 3' end. VCF-style (leftmost placement, unchanged base first): chr4-41746002-CGCTGCCGCGGCCGCCGCCGCT-C. GRCh37 (hg19) VCF-style: chr4-41748019-CGCTGCCGCGGCCGCCGCCGCT-C.
Other names: c.729_749delAGCGGCGGCGGCCGCGGCAGC (NM_003924.3); c.729_749del21 (NM_003924.3); c.729_749del (NM_003924.3).
Identifiers: ClinVar variation 652159 (VCV000652159.47), dbSNP rs772448418, ClinGen allele CA2901445.